The following is an entry in ClinVar:

NM_022124.6(CDH23):c.4207-2A>G

Genes: C10orf105 (chromosome 10 open reading frame 105; minus strand), CDH23 (cadherin related 23; plus strand). Cytogenetic location: 10q22.1.
Variant type: single nucleotide variant.
Coding change: c.4207-2A>G on transcript NM_022124.6 (MANE Select); the canonical splice acceptor site of the intron before coding-DNA position 4207, A replaced by G.
Molecular consequence: splice acceptor variant. On other transcripts: intron variant (1).
Genome position (GRCh38, 1-based): chr10:71,734,654, A>G. VCF-style: chr10-71734654-A-G. GRCh37 (hg19) VCF-style: chr10-73494411-A-G.
Other names: c.-6+3074T>C (NM_001168390.2).
Identifiers: ClinVar variation 2680500 (VCV002680500.4), dbSNP rs996451417, ClinGen allele CA209481796.
Genomic context (GRCh38, chr10:71,734,654, plus strand): 5'-GCTAACCATTTGCATCTTTGCCTTTTCTCTCACTCCCCTCCTGCTGCTGCCTCTGCCTAC[A>G]GAAGGTGAGTAGCCTGTGGCTGGAGCTTCCCCTGTGCTGTTGGCTGTGGCCAGTGCTGGC-3'

ClinVar aggregate classification (germline): Likely pathogenic. Review status: criteria provided, multiple submitters, no conflicts (2 of 4 stars). 2 submissions from 2 submitters: Likely pathogenic (2). Last evaluated 2023-09-29.

Conditions:
Pituitary adenoma 5, multiple types. Identifiers: MedGen C4539685, MONDO:0054601, OMIM 617540.

Allele frequency attached by ClinVar (database versions not stated): TOPMed 0.00001.

Submissions (2):

Labcorp Genetics (formerly Invitae), Labcorp
Classification: Likely pathogenic. Last evaluated: 2023-09-29. Review status: criteria provided, single submitter. Criteria: Invitae Variant Classification Sherloc (09022015). Collection method: clinical testing. Allele origin: germline.
Comment: In summary, the currently available evidence indicates that the variant is pathogenic, but additional data are needed to prove that conclusively. Therefore, this variant has been classified as Likely Pathogenic. Algorithms developed to predict the effect of sequence changes on RNA splicing suggest that this variant may disrupt the consensus splice site. This variant has not been reported in the literature in individuals affected with CDH23-related conditions. This variant is not present in population databases (gnomAD no frequency). This sequence change affects an acceptor splice site in intron 33 of the CDH23 gene. It is expected to disrupt RNA splicing. Variants that disrupt the donor or acceptor splice site typically lead to a loss of protein function (PMID: 16199547), and loss-of-function variants in CDH23 are known to be pathogenic (PMID: 11138009, 21940737).

Baylor Genetics
Classification: Likely pathogenic for Pituitary adenoma 5, multiple types. Last evaluated: 2023-02-25. Review status: criteria provided, single submitter. Criteria: ACMG Guidelines, 2015. Collection method: clinical testing. Allele origin: unknown.

Literature cited by the submitters: PubMed 16199547 (cited by Labcorp Genetics (formerly Invitae), Labcorp); PubMed 11138009 (cited by Labcorp Genetics (formerly Invitae), Labcorp); PubMed 21940737 (cited by Labcorp Genetics (formerly Invitae), Labcorp).